The following is an entry in ClinVar:

NM_152529.7(GPR155):c.912C>T (p.Gly304=)

Gene: GPR155 (G protein-coupled receptor 155; minus strand). Cytogenetic location: 2q31.1.
Variant type: single nucleotide variant.
Coding change: c.912C>T on transcript NM_152529.7 (MANE Select); coding-DNA position 912, C replaced by T.
Protein change: p.Gly304=; no amino-acid change (glycine 304 retained).
Molecular consequence: synonymous variant.
Genome position (GRCh38, 1-based): chr2:174,470,504, G>A on the plus strand (C>T on the coding strand, the complement: GPR155 is on the minus strand). VCF-style: chr2-174470504-G-A. GRCh37 (hg19) VCF-style: chr2-175335232-G-A.
Other names: c.912C>T, p.Gly304= (NM_001033045.4, NM_001267050.2, NM_001267051.2).
Identifiers: ClinVar variation 3771503 (VCV003771503.13).

ClinVar aggregate classification (germline): Likely benign (1 of 4 stars; one submission).

gnomAD v4.1: 27 of 1,613,626 alleles (0.0017%); highest among the groups gnomAD compares: Admixed American, 0.025%; no homozygotes.

Submission:

CeGaT Center for Human Genetics Tuebingen
Classification: Likely benign. Last evaluated: 2025-02-01. Review status: criteria provided, single submitter. Criteria: CeGaT Center For Human Genetics Tuebingen Variant Classification Criteria Version 2. Collection method: clinical testing. Allele origin: germline. Affected: yes. Observed: 1 variant allele.
Comment: GPR155: BP4, BP7